The following is an entry in ClinVar:

ClinVar aggregate classification (germline): Uncertain significance (1 of 4 stars; one submission).

Conditions:
Argininosuccinate lyase deficiency. Also called: Argininosuccinic aciduria; ARGININOSUCCINIC ACID LYASE DEFICIENCY; ASL DEFICIENCY. Identifiers: Orphanet 23, MedGen C0268547, MONDO:0008815, OMIM 207900, HP:0025630.

Submission:

Labcorp Genetics (formerly Invitae), Labcorp
Classification: Uncertain significance for Argininosuccinate lyase deficiency. Last evaluated: 2021-08-12. Review status: criteria provided, single submitter. Criteria: Invitae Variant Classification Sherloc (09022015). Collection method: clinical testing. Allele origin: germline.
Comment: In summary, the available evidence is currently insufficient to determine the role of this variant in disease. Therefore, it has been classified as a Variant of Uncertain Significance. Advanced modeling of protein sequence and biophysical properties (such as structural, functional, and spatial information, amino acid conservation, physicochemical variation, residue mobility, and thermodynamic stability) performed at Invitae indicates that this missense variant is not expected to disrupt ASL protein function. This variant has not been reported in the literature in individuals affected with ASL-related conditions. This variant is not present in population databases (ExAC no frequency). This sequence change replaces asparagine with lysine at codon 406 of the ASL protein (p.Asn406Lys). The asparagine residue is moderately conserved and there is a moderate physicochemical difference between asparagine and lysine.

NM_000048.4(ASL):c.1218C>G (p.Asn406Lys)

Gene: ASL (argininosuccinate lyase; plus strand). Cytogenetic location: 7q11.21.
Variant type: single nucleotide variant.
Coding change: c.1218C>G on transcript NM_000048.4 (MANE Select); coding-DNA position 1218, C replaced by G.
Protein change: p.Asn406Lys; replaces asparagine 406 with lysine.
Molecular consequence: missense variant.
Genome position (GRCh38, 1-based): chr7:66,092,631, C>G. VCF-style: chr7-66092631-C-G. GRCh37 (hg19) VCF-style: chr7-65557618-C-G.
Other names: c.1218C>G, p.Asn406Lys (NM_001024943.2); c.1158C>G, p.Asn386Lys (NM_001024944.2); c.1140C>G, p.Asn380Lys (NM_001024946.2); short protein forms N406K, N386K, N380K.
Identifiers: ClinVar variation 1520264 (VCV001520264.8), dbSNP rs2115764896, ClinGen allele CA367651743.
Genomic context (GRCh38, chr7:66,092,631, plus strand): 5'-GGCCCACGAGGCCTCCGGGAAAGCTGTGTTCATGGCCGAGACCAAGGGGGTCGCCCTCAA[C>G]CAGCTGTCACTGCAGGAGCTGCAGACCATCAGGTACGGCCCATCCCCTTCCCCATGCTGC-3'
Protein context (NP_000039.2, residues 396-416): FMAETKGVAL[Asn406Lys]QLSLQELQTI